The following is an entry in ClinVar:

NM_000552.5(VWF):c.4690C>T (p.Arg1564Trp)

Gene: VWF (von Willebrand factor; minus strand). Cytogenetic location: 12p13.31.
Variant type: single nucleotide variant.
Coding change: c.4690C>T on transcript NM_000552.5 (MANE Select); coding-DNA position 4690, C replaced by T.
Protein change: p.Arg1564Trp; replaces arginine 1564 with tryptophan.
Molecular consequence: missense variant.
Genome position (GRCh38, 1-based): chr12:6,018,728, G>A on the plus strand (C>T on the coding strand, the complement: VWF is on the minus strand). VCF-style: chr12-6018728-G-A. GRCh37 (hg19) VCF-style: chr12-6127894-G-A.
Other names: c.4690C>T (NM_000552.3); short protein forms R1564W.
Identifiers: ClinVar variation 811702 (VCV000811702.10), dbSNP rs370854023, ClinGen allele CA6402475.
Genomic context (GRCh38, chr12:6,018,728, plus strand): 5'-ACCGCAGGGCCAGCCCAGTGTTGGTCCTGTTGCCGCCCTGGTAGCGGATCTCTCGCACCC[G>A]CTGCAGGATGTCCCCTTTGGACTGTGCCTCGCTGAAGGGGTACTCCACAGTCACCATGTA-3'
Protein context (NP_000543.3, residues 1554-1574): EAQSKGDILQ[Arg1564Trp]VREIRYQGGN

ClinVar aggregate classification (germline): Conflicting classifications of pathogenicity. Review status: criteria provided, conflicting classifications (1 of 4 stars). 3 submissions from 3 submitters: Likely pathogenic (1); Uncertain significance (2). Last evaluated 2024-03-13.

Conditions:
von Willebrand disease type 2 (VWD2). Also called: VON WILLEBRAND DISEASE, TYPE II; VWD, TYPE 2; VON WILLEBRAND DISEASE, TYPE 2A/IIE; VON WILLEBRAND DISEASE, TYPE 2CB. Identifiers: Orphanet 166081, Orphanet 903, MedGen C1264040, MONDO:0013304, OMIM 613554.

Allele frequency attached by ClinVar (database versions not stated): TOPMed below 0.00001; ExAC 0.00001; gnomAD exomes 0.00001; ESP Exome Variant Server 0.00008.
gnomAD v4.1: 11 of 1,613,330 alleles (0.00068%); highest among the groups gnomAD compares: Middle Eastern, 0.017%; no homozygotes.

Submissions (3):

GeneDx
Classification: Uncertain significance. Last evaluated: 2024-03-13. Review status: criteria provided, single submitter. Criteria: GeneDx Variant Classification Process June 2021. Collection method: clinical testing. Allele origin: germline. Affected: yes.
Comment: In silico analysis supports that this missense variant has a deleterious effect on protein structure/function; This variant is associated with the following publications: (PMID: 26986123, 22102201, 31968368, 34130347, 37872709)

Genetics and Molecular Pathology, SA Pathology
Classification: Uncertain significance for von Willebrand disease type 2. Last evaluated: 2022-11-04. Review status: criteria provided, single submitter. Criteria: ACMG Guidelines, 2015. Collection method: clinical testing. Allele origin: germline. Affected: yes.
Comment: The VWF c.4690C>T variant is classified as a VUS (PM1, PS4_supp, PM2) The VWF c.4690C>T variant is a single nucleotide change in exon 28/52 of the VWF gene, which is predicted to change the amino acid arginine at position 1564 in the protein to tryptophan. It is located in the VWF type A domain (PMID:12176890) (PM1). This variant has been reported in a patient with Type 1 VWD and another amino acid change at the same location has been detected in a patient with VWD type 2a (PMID:26986123) (PS4_Supporting). This variant is absent from population databases (PM2) and has been reported in dbSNP (rs370854023) and in the HGMD database as ?disease causing: CM163350. It has been reported as Likely pathogenic by another diagnostic laboratory (ClinVar Variation ID: 811702).

ARUP Laboratories, Molecular Genetics and Genomics, ARUP Laboratories
Classification: Likely pathogenic. Last evaluated: 2018-07-06. Review status: criteria provided, single submitter. Criteria: ARUP Molecular Germline Variant Investigation Process. Collection method: clinical testing. Allele origin: germline.
Comment: The VWF c.4690C>T; p.Arg1564Trp variant (rs370854023), is reported in individuals affected with von Willebrand disease (VWD), type 1 (Veyradier 2016) and type 2M (LOVD VWF database). This variant is found in the non-Finnish European population with an overall allele frequency of 0.0027% (3/111554 alleles) in the Genome Aggregation Database. Additionally, another variant at this codon (c.4691G>C; p.Arg1564Pro) has been reported in at least one individual with VWD, type 2 (Veyradier 2016). The variant lies within the A2 domain of the VWF protein, which contains a proteolytic cleavage site that regulates VWF function (Xu 2013, Yee 2014). Deleterious variants in this A2 domain increase proteolysis and correlate with patient disease severity (Hassenpflug 2006). The arginine at codon 1564 is moderately conserved, but computational analyses (SIFT, PolyPhen-2) predict that this variant is deleterious. Based on available information, this variant is considered to be likely pathogenic. References: Link to LOVD VWF variant database: Hassenpflug WA et al. Impact of mutations in the von Willebrand factor A2 domain on ADAMTS13-dependent proteolysis. Blood. 2006 Mar 15;107(6):2339-45. Veyradier A et al. A Laboratory Phenotype/Genotype Correlation of 1167 French Patients From 670 Families With von Willebrand Disease: A New Epidemiologic Picture. Medicine (Baltimore). 2016 Mar;95(11):e3038. Xu AJ et al. Mechanisms by which von Willebrand disease mutations destabilize the A2 domain. J Biol Chem. 2013 Mar 1;288(9):6317-24. Yee A et al. Von Willebrand factor: form for function. Semin Thromb Hemost. 2014 Feb;40(1):17-27.

Literature cited by the submitters: PubMed 12176890 (cited by Genetics and Molecular Pathology, SA Pathology); PubMed 26986123 (cited by Genetics and Molecular Pathology, SA Pathology).